The following is an entry in ClinVar:

NM_001368882.1(COL13A1):c.1931T>C (p.Ile644Thr)

Gene: COL13A1 (collagen type XIII alpha 1 chain; plus strand). Cytogenetic location: 10q22.1.
Variant type: single nucleotide variant.
Coding change: c.1931T>C on transcript NM_001368882.1 (MANE Select); coding-DNA position 1931, T replaced by C.
Protein change: p.Ile644Thr; replaces isoleucine 644 with threonine.
Molecular consequence: missense variant.
Genome position (GRCh38, 1-based): chr10:69,944,141, T>C. VCF-style: chr10-69944141-T-C. GRCh37 (hg19) VCF-style: chr10-71703897-T-C.
Other names: c.1751T>C, p.Ile584Thr (NM_080802.4); c.1664T>C, p.Ile555Thr (NM_080805.4); c.1898T>C, p.Ile633Thr (NM_001130103.2); c.1787T>C, p.Ile596Thr (NM_001320951.2); c.1808T>C, p.Ile603Thr (NM_001368883.1); c.1745T>C, p.Ile582Thr (NM_001368884.1); c.1709T>C, p.Ile570Thr (NM_001368885.1); c.1187T>C, p.Ile396Thr (NM_001368886.1); and 7 more; short protein forms I396T, I544T, I547T, I555T, I561T, I564T, I570T, I573T.
Identifiers: ClinVar variation 1665805 (VCV001665805.12), dbSNP rs147220162, ClinGen allele CA5535007.

ClinVar aggregate classification (germline): Conflicting classifications of pathogenicity. Review status: criteria provided, conflicting classifications (1 of 4 stars). 4 submissions from 4 submitters: Uncertain significance (2); Likely benign (1). 1 of the submissions does not count toward it. Last evaluated 2025-11-08.

Conditions:
Inborn genetic diseases. Identifiers: MedGen C0950123, MeSH D030342.
COL13A1-related disorder. Also called: COL13A1-related condition.

Allele frequency attached by ClinVar (database versions not stated): gnomAD exomes 0.00007 and 0.00014; ExAC 0.00013; ESP Exome Variant Server 0.00025; 1000 Genomes Project 30x 0.00031; 1000 Genomes Project 0.00040; gnomAD 0.00060 and 0.00065; TOPMed 0.00060.
gnomAD v4.1: 191 of 1,613,724 alleles (0.012%); highest among the groups gnomAD compares: African/African-American, 0.18%; no homozygotes.

Submissions (4):

Labcorp Genetics (formerly Invitae), Labcorp
Classification: Likely benign. Last evaluated: 2025-11-08. Review status: criteria provided, single submitter. Criteria: Invitae Variant Classification Sherloc (09022015). Collection method: clinical testing. Allele origin: germline.

GeneDx
Classification: Uncertain significance. Last evaluated: 2022-01-13. Review status: criteria provided, single submitter. Criteria: GeneDx Variant Classification Process June 2021. Collection method: clinical testing. Allele origin: germline. Affected: yes.
Comment: In silico analysis supports that this missense variant does not alter protein structure/function; Has not been previously published as pathogenic or benign to our knowledge

Ambry Genetics
Classification: Uncertain significance for Inborn genetic diseases. Last evaluated: 2021-08-02. Review status: criteria provided, single submitter. Criteria: Ambry Variant Classification Scheme 2023. Collection method: clinical testing. Allele origin: germline.

PreventionGenetics, part of Exact Sciences
Classification: Likely benign for COL13A1-related condition. Last evaluated: 2024-04-11. Review status: no assertion criteria provided. Collection method: clinical testing. Allele origin: germline. Not counted in ClinVar's aggregate classification.
Comment: This variant is classified as likely benign based on ACMG/AMP sequence variant interpretation guidelines (Richards et al. 2015 PMID: 25741868, with internal and published modifications).